The following is an entry in ClinVar:

ClinVar aggregate classification (germline): Likely benign. Review status: criteria provided, multiple submitters, no conflicts (2 of 4 stars). 2 submissions from 2 submitters: Likely benign (2). Last evaluated 2025-08-05.

Conditions:
Lethal congenital glycogen storage disease of heart. Also called: GLYCOGEN STORAGE DISEASE OF HEART; PHOSPHORYLASE KINASE DEFICIENCY OF HEART. Identifiers: Orphanet 439854, MedGen C1849813, MONDO:0009867, OMIM 261740.

Allele frequency attached by ClinVar (database versions not stated): ExAC 0.00004; gnomAD exomes 0.00002 and 0.00003.
gnomAD v4.1: 28 of 1,589,824 alleles (0.0018%); highest among the groups gnomAD compares: South Asian, 0.03%; no homozygotes.

Submissions (2):

Labcorp Genetics (formerly Invitae), Labcorp
Classification: Likely benign for Lethal congenital glycogen storage disease of heart. Last evaluated: 2025-08-05. Review status: criteria provided, single submitter. Criteria: Invitae Variant Classification Sherloc (09022015). Collection method: clinical testing. Allele origin: germline.

Laboratory for Molecular Medicine, Mass General Brigham Personalized Medicine
Classification: Likely benign. Last evaluated: 2014-08-21. Review status: criteria provided, single submitter. Criteria: LMM Criteria. Collection method: clinical testing. Allele origin: germline. Observed: 1 variant allele.
Comment: 864+13C>T in intron 6 of PRKAG2: This variant is not expected to have clinical s ignificance because it is not located within the splice consensus sequence.

NM_016203.4(PRKAG2):c.864+13C>T

Gene: PRKAG2 (protein kinase AMP-activated non-catalytic subunit gamma 2; minus strand). Cytogenetic location: 7q36.1.
Variant type: single nucleotide variant.
Coding change: c.864+13C>T on transcript NM_016203.4 (MANE Select); 13 bases into the intron after coding-DNA position 864, C replaced by T.
Molecular consequence: intron variant.
Genome position (GRCh38, 1-based): chr7:151,595,332, G>A on the plus strand (C>T on the coding strand, the complement: PRKAG2 is on the minus strand). VCF-style: chr7-151595332-G-A. GRCh37 (hg19) VCF-style: chr7-151292418-G-A.
Other names: c.732+13C>T (NM_001040633.2); c.489+13C>T (NM_001304527.2); c.492+13C>T (NM_001363698.2); c.141+13C>T (NM_001304531.2, NM_024429.2).
Identifiers: ClinVar variation 179949 (VCV000179949.12), dbSNP rs727505238, ClinGen allele CA014565.
Genomic context (GRCh38, chr7:151,595,332, plus strand): 5'-GTTTTAAATTACTGTATAAAGTAGTAGCCATCCAAAAAATACCAAAAAATTCATGAAAAT[G>A]GAGTACACTTACTTGTAATGTAGTATCAAAGACAACAAGCTTTGAACTGGTTGGAACGAT-3'